The following is an entry in ClinVar:

ClinVar aggregate classification (germline): Pathogenic/Likely pathogenic. Review status: criteria provided, multiple submitters, no conflicts (2 of 4 stars). 5 submissions from 5 submitters: Pathogenic (1); Likely pathogenic (2). 2 of the submissions do not count toward it. Last evaluated 2024-12-28.

Conditions:
Type 2 diabetes mellitus. Also called: Type II diabetes mellitus. Identifiers: MedGen C0011860, MeSH D003924, MONDO:0005148, OMIM 125853, HP:0005978.
Adenylosuccinate lyase deficiency (ADSLD). Also called: ADSL DEFICIENCY. Identifiers: Orphanet 46, MedGen C0268126, MONDO:0007068, OMIM 103050.

Allele frequency attached by ClinVar (database versions not stated): gnomAD 0.00003 and 0.00006; ExAC 0.00007; 1000 Genomes Project 30x 0.00078; gnomAD exomes 0.00003; TOPMed 0.00003; 1000 Genomes Project 0.00100.
gnomAD v4.1: 35 of 1,614,198 alleles (0.0022%); highest among the groups gnomAD compares: East Asian, 0.027%; no homozygotes.

Submissions (5):

Labcorp Genetics (formerly Invitae), Labcorp
Classification: Pathogenic for Adenylosuccinate lyase deficiency. Last evaluated: 2024-12-28. Review status: criteria provided, single submitter. Criteria: Invitae Variant Classification Sherloc (09022015). Collection method: clinical testing. Allele origin: germline.
Comment: This sequence change replaces arginine, which is basic and polar, with glutamine, which is neutral and polar, at codon 190 of the ADSL protein (p.Arg190Gln). This variant is present in population databases (rs28941471, gnomAD 0.03%). This missense change has been observed in individual(s) with deficiency of adenylosuccinate lyase (PMID: 10090474, 10888601). ClinVar contains an entry for this variant (Variation ID: 2465). Invitae Evidence Modeling of protein sequence and biophysical properties (such as structural, functional, and spatial information, amino acid conservation, physicochemical variation, residue mobility, and thermodynamic stability) indicates that this missense variant is not expected to disrupt ADSL protein function with a negative predictive value of 80%. Experimental studies are conflicting or provide insufficient evidence to determine the effect of this variant on ADSL function (PMID: 20127976, 22180458). For these reasons, this variant has been classified as Pathogenic.

GeneDx
Classification: Likely pathogenic. Last evaluated: 2024-10-02. Review status: criteria provided, single submitter. Criteria: GeneDx Variant Classification Process June 2021. Collection method: clinical testing. Allele origin: germline. Affected: yes.
Comment: Published functional studies demonstrate a damaging effect as this variant decreases enzyme stability (PMID: 20127976, 10888601); In silico analysis supports that this missense variant has a deleterious effect on protein structure/function; This variant is associated with the following publications: (PMID: 10888601, 10090474, 37842880, 36338215, 22180458, 20127976)

Juno Genomics, Hangzhou Juno Genomics, Inc
Classification: Likely pathogenic for Adenylosuccinate lyase deficiency. Review status: criteria provided, single submitter. Criteria: ACMG Guidelines, 2015. Collection method: clinical testing. Allele origin: germline.
Comment: Absent from controls (or at extremely low frequency if recessive) in Genome Aggregation Database.;Multiple lines of computational evidence support a deleterious effect on the gene or gene product.;For recessive disorders, detected in trans with a pathogenic variant.;Patient's phenotype or family history is highly specific for a disease with a single genetic etiology.

Gene Friend Way, National Innovation Center
Classification: Likely pathogenic for Type 2 diabetes mellitus. Last evaluated: 2025-01-01. Review status: no assertion criteria provided. Collection method: clinical testing. Allele origin: unknown. Affected: yes. Observed: 2 variant alleles. Not counted in ClinVar's aggregate classification.
Comment: In silico analysis shows that this missense variant has a deleterious effect on protein structure/function, consistent with results from published functional studies (PMID: 20127976, 10888601). Research indicates that ADSL activity is linked to insulin secretion from pancreatic beta cells (PMID: 26411681). ADSL overexpression can restore insulin sensitivity in diabetic conditions, while its deficiency impairs insulin-stimulated glucose uptake and insulin secretion (PMID: 24855629).

OMIM
Classification: Pathogenic for ADENYLOSUCCINASE DEFICIENCY. Last evaluated: 1999-01-01. Review status: no assertion criteria provided. Collection method: literature only. Allele origin: germline. Not counted in ClinVar's aggregate classification.

Literature cited by the submitters: PubMed 10090474 (cited by Labcorp Genetics (formerly Invitae), Labcorp and OMIM); PubMed 10888601 (cited by Labcorp Genetics (formerly Invitae), Labcorp and Gene Friend Way, National Innovation Center); PubMed 20127976 (cited by Labcorp Genetics (formerly Invitae), Labcorp and Gene Friend Way, National Innovation Center); PubMed 22180458 (cited by Labcorp Genetics (formerly Invitae), Labcorp); PubMed 26411681 (cited by Gene Friend Way, National Innovation Center); PubMed 24855629 (cited by Gene Friend Way, National Innovation Center); Kmoch, S., Hartmannova, H., Krijt, J., Valik, D., Jones, J. D., Sebesta, L. Genetic heterogeneity in adenylosuccinate lyase deficiency. Clin. Biochem. 30: 264-only, 1997. (cited by OMIM).

NM_000026.4(ADSL):c.569G>A (p.Arg190Gln)

Gene: ADSL (adenylosuccinate lyase; plus strand). Cytogenetic location: 22q13.1.
Variant type: single nucleotide variant.
Coding change: c.569G>A on transcript NM_000026.4 (MANE Select); coding-DNA position 569, G replaced by A.
Protein change: p.Arg190Gln; replaces arginine 190 with glutamine.
Molecular consequence: missense variant. On other transcripts: non-coding transcript variant (1).
Genome position (GRCh38, 1-based): chr22:40,358,950, G>A. VCF-style: chr22-40358950-G-A. GRCh37 (hg19) VCF-style: chr22-40754954-G-A.
Other names: p.R190Q:CGA>CAA; c.569G>A, p.Arg190Gln (NM_001123378.3, NM_001363840.3); c.377G>A, p.Arg126Gln (NM_001317923.2); short protein forms R190Q, R126Q.
Identifiers: ClinVar variation 2465 (VCV000002465.19), dbSNP rs28941471, ClinGen allele CA115568.
Genomic context (GRCh38, chr22:40,358,950, plus strand): 5'-AACGTTGCTGTCTTTGGATTCAGGATCTTTGCATGGATCTCCAGAACTTGAAGCGTGTCC[G>A]AGATGACCTGCGCTTCCGGGGAGTAAAGGGTACCACTGGCACTCAGGCCAGTTTCCTGCA-3'
Protein context (NP_000017.1, residues 180-200): CMDLQNLKRV[Arg190Gln]DDLRFRGVKG